The following is an entry in ClinVar:

NM_024577.4(SH3TC2):c.3789C>A (p.Ser1263Arg)

Gene: SH3TC2 (SH3 domain and tetratricopeptide repeats 2; minus strand). Cytogenetic location: 5q32.
Variant type: single nucleotide variant.
Coding change: c.3789C>A on transcript NM_024577.4 (MANE Select); coding-DNA position 3789, C replaced by A.
Protein change: p.Ser1263Arg; replaces serine 1263 with arginine.
Molecular consequence: missense variant.
Genome position (GRCh38, 1-based): chr5:149,004,789, G>T on the plus strand (C>A on the coding strand, the complement: SH3TC2 is on the minus strand). VCF-style: chr5-149004789-G-T. GRCh37 (hg19) VCF-style: chr5-148384352-G-T.
Other names: short protein forms S1263R.
Identifiers: ClinVar variation 1026215 (VCV001026215.8), dbSNP rs1210794926, ClinGen allele CA361663373.

ClinVar aggregate classification (germline): Uncertain significance (1 of 4 stars; one submission).

Conditions:
Charcot-Marie-Tooth disease type 4. Also called: Charcot-Marie-Tooth disease, type IV; Charcot-Marie-Tooth, Type 4. Identifiers: Orphanet 64749, MedGen C4082197, MONDO:0018995.

gnomAD v4.1: 18 of 1,614,094 alleles (0.0011%); highest among the groups gnomAD compares: Non-Finnish European, 0.0015%; no homozygotes.

Submission:

Labcorp Genetics (formerly Invitae), Labcorp
Classification: Uncertain significance for Charcot-Marie-Tooth disease type 4. Last evaluated: 2020-05-12. Review status: criteria provided, single submitter. Criteria: Invitae Variant Classification Sherloc (09022015). Collection method: clinical testing. Allele origin: germline.
Comment: This variant is not present in population databases (ExAC no frequency). This variant has not been reported in the literature in individuals with SH3TC2-related conditions. Algorithms developed to predict the effect of missense changes on protein structure and function are either unavailable or do not agree on the potential impact of this missense change (SIFT: "Tolerated"; PolyPhen-2: "Possibly Damaging"; Align-GVGD: "Class C25"). In summary, the available evidence is currently insufficient to determine the role of this variant in disease. Therefore, it has been classified as a Variant of Uncertain Significance. This sequence change replaces serine with arginine at codon 1263 of the SH3TC2 protein (p.Ser1263Arg). The serine residue is highly conserved and there is a moderate physicochemical difference between serine and arginine.